The following is an entry in ClinVar:

NM_020693.4(DSCAML1):c.5665A>G (p.Ile1889Val)

Gene: DSCAML1 (DS cell adhesion molecule like 1; minus strand). Cytogenetic location: 11q23.3.
Variant type: single nucleotide variant.
Coding change: c.5665A>G on transcript NM_020693.4 (MANE Select); coding-DNA position 5665, A replaced by G.
Protein change: p.Ile1889Val; replaces isoleucine 1889 with valine.
Molecular consequence: missense variant.
Genome position (GRCh38, 1-based): chr11:117,430,743, T>C on the plus strand (A>G on the coding strand, the complement: DSCAML1 is on the minus strand). VCF-style: chr11-117430743-T-C. GRCh37 (hg19) VCF-style: chr11-117301459-T-C.
Other names: short protein forms I1889V.
Identifiers: ClinVar variation 3607259 (VCV003607259.2).
Genomic context (GRCh38, chr11:117,430,743, plus strand): 5'-GCGGGGGGGCACTGCCTGGGAGGTGGTCTGAGCACTCACTCTTGTTGGCCCGGTGAGGGA[T>C]GGGCACAGCCACGTTTTTGCCCCGGTCCGCATCCTGGGGCTTGGGTGGTGAGGCGGTAAA-3'
Protein context (NP_065744.3, residues 1879-1899): ADRGKNVAVP[Ile1889Val]PHRANKSDYC

ClinVar aggregate classification (germline): Uncertain significance (1 of 4 stars; one submission).

gnomAD v4.1: 1 of 1,613,330 alleles (0.000062%); highest among the groups gnomAD compares: Admixed American, 0.0017%; no homozygotes.

Submission:

Labcorp Genetics (formerly Invitae), Labcorp
Classification: Uncertain significance. Last evaluated: 2024-08-30. Review status: criteria provided, single submitter. Criteria: Invitae Variant Classification Sherloc (09022015). Collection method: clinical testing. Allele origin: germline.
Comment: This sequence change replaces isoleucine, which is neutral and non-polar, with valine, which is neutral and non-polar, at codon 1949 of the DSCAML1 protein (p.Ile1949Val). This variant is present in population databases (no rsID available, gnomAD 0.003%). This variant has not been reported in the literature in individuals affected with DSCAML1-related conditions. An algorithm developed to predict the effect of missense changes on protein structure and function (PolyPhen-2) suggests that this variant is likely to be disruptive. In summary, the available evidence is currently insufficient to determine the role of this variant in disease. Therefore, it has been classified as a Variant of Uncertain Significance.